The following is an entry in ClinVar:

ClinVar aggregate classification (germline): Uncertain significance. Review status: criteria provided, multiple submitters, no conflicts (2 of 4 stars). 2 submissions from 2 submitters: Uncertain significance (2). Last evaluated 2023-02-20.

Conditions:
Hereditary cancer-predisposing syndrome. Also called: Neoplastic Syndromes, Hereditary; Tumor predisposition; Hereditary neoplastic syndrome; Hereditary Cancer Syndrome. Identifiers: Orphanet 140162, MedGen C0027672, MeSH D009386, MONDO:0015356.
Ataxia-telangiectasia-like disorder (ATLD). Identifiers: MedGen C1858391, MONDO:0011457.

Allele frequency attached by ClinVar (database versions not stated): gnomAD exomes below 0.00001; gnomAD 0.00001.
gnomAD v4.1: 2 of 1,611,722 alleles (0.00012%); highest among the groups gnomAD compares: African/African-American, 0.0013%; no homozygotes.

Submissions (2):

Ambry Genetics
Classification: Uncertain significance for Hereditary cancer-predisposing syndrome. Last evaluated: 2023-02-20. Review status: criteria provided, single submitter. Criteria: Ambry Variant Classification Scheme 2023. Collection method: clinical testing. Allele origin: germline.
Comment: The p.N227D variant (also known as c.679A>G), located in coding exon 7 of the MRE11A gene, results from an A to G substitution at nucleotide position 679. The asparagine at codon 227 is replaced by aspartic acid, an amino acid with highly similar properties. This amino acid position is highly conserved in available vertebrate species. In addition, the in silico prediction for this alteration is inconclusive. Since supporting evidence is limited at this time, the clinical significance of this alteration remains unclear.

Labcorp Genetics (formerly Invitae), Labcorp
Classification: Uncertain significance for Ataxia-telangiectasia-like disorder. Last evaluated: 2021-12-16. Review status: criteria provided, single submitter. Criteria: Invitae Variant Classification Sherloc (09022015). Collection method: clinical testing. Allele origin: germline.
Comment: This sequence change replaces asparagine, which is neutral and polar, with aspartic acid, which is acidic and polar, at codon 227 of the MRE11 protein (p.Asn227Asp). This variant is not present in population databases (gnomAD no frequency). This variant has not been reported in the literature in individuals affected with MRE11-related conditions. ClinVar contains an entry for this variant (Variation ID: 826623). Algorithms developed to predict the effect of missense changes on protein structure and function are either unavailable or do not agree on the potential impact of this missense change (SIFT: "Tolerated"; PolyPhen-2: "Probably Damaging"; Align-GVGD: "Class C0"). In summary, the available evidence is currently insufficient to determine the role of this variant in disease. Therefore, it has been classified as a Variant of Uncertain Significance.

NM_005591.4(MRE11):c.679A>G (p.Asn227Asp)

Gene: MRE11 (MRE11 double strand break repair nuclease; minus strand). Cytogenetic location: 11q21.
Variant type: single nucleotide variant.
Coding change: c.679A>G on transcript NM_005591.4 (MANE Select); coding-DNA position 679, A replaced by G.
Protein change: p.Asn227Asp; replaces asparagine 227 with aspartic acid.
Molecular consequence: missense variant.
Genome position (GRCh38, 1-based): chr11:94,471,740, T>C on the plus strand (A>G on the coding strand, the complement: MRE11 is on the minus strand). VCF-style: chr11-94471740-T-C. GRCh37 (hg19) VCF-style: chr11-94204906-T-C.
Other names: c.679A>G, p.Asn227Asp (NM_001330347.2, NM_005590.4); short protein forms N227D.
Identifiers: ClinVar variation 826623 (VCV000826623.8), dbSNP rs1591695560, ClinGen allele CA382375927.